The following is an entry in ClinVar:

ClinVar aggregate classification (germline): Pathogenic (1 of 4 stars; one submission).

Conditions:
Breast-ovarian cancer, familial, susceptibility to, 2 (BROVCA2). Also called: BRCA2 Hereditary Breast and Ovarian Cancer. Identifiers: Orphanet 145, MedGen C2675520, MONDO:0012933, OMIM 612555. Disease mechanism: loss of function.

Submission:

Myriad Genetics, Inc.
Classification: Pathogenic for Breast-ovarian cancer, familial, susceptibility to, 2. Last evaluated: 2024-06-26. Review status: criteria provided, single submitter. Criteria: Myriad Autosomal Dominant, Autosomal Recessive and X-Linked Classification Criteria (2023). Collection method: clinical testing. Allele origin: unknown.
Comment: This variant is considered pathogenic. This variant creates a frameshift predicted to result in premature protein truncation.

NM_000059.4(BRCA2):c.9353_9357del (p.Met3118fs)

Gene: BRCA2 (BRCA2 DNA repair associated; plus strand). Cytogenetic location: 13q13.1.
Variant type: Deletion.
Coding change: c.9353_9357del on transcript NM_000059.4 (MANE Select); coding-DNA positions 9353 to 9357, 5 bases deleted (TGTTA; older notation c.9353_9357delTGTTA).
Protein change: p.Met3118fs; shifts the reading frame from methionine 3118.
Molecular consequence: frameshift variant. On other transcripts: non-coding transcript variant (1).
Genome position (GRCh38, 1-based): chr13:32,394,785-32,394,789, TGTTA deleted; deleting any 5 consecutive bases within chr13:32,394,783-32,394,789 gives the same sequence; the c. name uses the placement nearest the transcript's 3' end. VCF-style (leftmost placement, unchanged base first): chr13-32394782-ATATGT-A. GRCh37 (hg19) VCF-style: chr13-32968919-ATATGT-A.
Other names: c.9257_9261del, p.Met3086fs (NM_001406719.1); c.9302_9306del, p.Met3101fs (NM_001406720.1); c.4421_4425del, p.Met1474fs (NM_001406721.1); c.2936_2940del, p.Met979fs (NM_001406722.1); short protein forms M1474fs, M3086fs, M3101fs, M3118fs, M979fs.
Identifiers: ClinVar variation 3254417 (VCV003254417.1), dbSNP rs2548562206.